The following is an entry in ClinVar:

ClinVar aggregate classification (germline): Uncertain significance. Review status: criteria provided, multiple submitters, no conflicts (2 of 4 stars). 3 submissions from 3 submitters: Uncertain significance (3). Last evaluated 2025-06-15.

Conditions:
Neuroblastoma, susceptibility to, 3. Also called: ALK-Related Neuroblastic Tumor Susceptibility. Identifiers: Orphanet 635, MedGen C2751681, MONDO:0013083, OMIM 613014.
Hereditary cancer-predisposing syndrome. Also called: Neoplastic Syndromes, Hereditary; Hereditary Cancer Syndrome; Hereditary neoplastic syndrome; Tumor predisposition. Identifiers: Orphanet 140162, MedGen C0027672, MeSH D009386, MONDO:0015356.

Allele frequency attached by ClinVar (database versions not stated): gnomAD exomes below 0.00001; ExAC 0.00001; gnomAD 0.00001; TOPMed 0.00003; ESP Exome Variant Server 0.00008.
gnomAD v4.1: 3 of 1,613,604 alleles (0.00019%); highest among the groups gnomAD compares: African/African-American, 0.004%; no homozygotes.

Submissions (3):

Labcorp Genetics (formerly Invitae), Labcorp
Classification: Uncertain significance for Neuroblastoma, susceptibility to, 3. Last evaluated: 2025-06-15. Review status: criteria provided, single submitter. Criteria: Invitae Variant Classification Sherloc (09022015). Collection method: clinical testing. Allele origin: germline.
Comment: This sequence change replaces aspartic acid, which is acidic and polar, with histidine, which is basic and polar, at codon 1349 of the ALK protein (p.Asp1349His). This variant is present in population databases (rs368744524, gnomAD 0.007%). This variant has not been reported in the literature in individuals affected with ALK-related conditions. ClinVar contains an entry for this variant (Variation ID: 850828). An algorithm developed to predict the effect of missense changes on protein structure and function (PolyPhen-2) suggests that this variant is likely to be disruptive. Experimental studies have shown that this missense change does not substantially affect ALK function (PMID: 25517749). In summary, the available evidence is currently insufficient to determine the role of this variant in disease. Therefore, it has been classified as a Variant of Uncertain Significance.

GeneDx
Classification: Uncertain significance. Last evaluated: 2024-04-04. Review status: criteria provided, single submitter. Criteria: GeneDx Variant Classification Process June 2021. Collection method: clinical testing. Allele origin: germline. Affected: yes.
Comment: Not observed at significant frequency in large population cohorts (gnomAD); In silico analysis supports that this missense variant has a deleterious effect on protein structure/function; Published functional studies suggest a neutral effect: in vitro assays demonstrate basal activity, auto-phosphorylation, and transformative potential similar to wild type (PMID: 25517749); This variant is associated with the following publications: (PMID: 33674381, 26503946, 25517749)

Ambry Genetics
Classification: Uncertain significance for Hereditary cancer-predisposing syndrome. Last evaluated: 2024-03-16. Review status: criteria provided, single submitter. Criteria: Ambry Variant Classification Scheme 2023. Collection method: clinical testing. Allele origin: germline.
Comment: The p.D1349H variant (also known as c.4045G>C), located in coding exon 27 of the ALK gene, results from a G to C substitution at nucleotide position 4045. The aspartic acid at codon 1349 is replaced by histidine, an amino acid with similar properties. This amino acid position is highly conserved in available vertebrate species. In addition, the in silico prediction for this alteration is inconclusive. Since supporting evidence is limited at this time, the clinical significance of this alteration remains unclear.

Literature cited by the submitters: PubMed 25517749 (cited by Labcorp Genetics (formerly Invitae), Labcorp).

NM_004304.5(ALK):c.4045G>C (p.Asp1349His)

Gene: ALK (ALK receptor tyrosine kinase; minus strand). Cytogenetic location: 2p23.2.
Variant type: single nucleotide variant.
Coding change: c.4045G>C on transcript NM_004304.5 (MANE Select); coding-DNA position 4045, G replaced by C.
Protein change: p.Asp1349His; replaces aspartic acid 1349 with histidine.
Molecular consequence: missense variant.
Genome position (GRCh38, 1-based): chr2:29,197,570, C>G on the plus strand (G>C on the coding strand, the complement: ALK is on the minus strand). VCF-style: chr2-29197570-C-G. GRCh37 (hg19) VCF-style: chr2-29420436-C-G.
Other names: c.841G>C, p.Asp281His (NM_001353765.2); short protein forms D1349H, D281H.
Identifiers: ClinVar variation 850828 (VCV000850828.12), dbSNP rs368744524, ClinGen allele CA1593697.